The following is an entry in ClinVar:

NM_001079802.2(FKTN):c.166C>T (p.Arg56Cys)

Gene: FKTN (fukutin; plus strand). Cytogenetic location: 9q31.2.
Variant type: single nucleotide variant.
Coding change: c.166C>T on transcript NM_001079802.2 (MANE Select); coding-DNA position 166, C replaced by T.
Protein change: p.Arg56Cys; replaces arginine 56 with cysteine.
Molecular consequence: missense variant. On other transcripts: 5 prime UTR variant (4), non-coding transcript variant (2).
Genome position (GRCh38, 1-based): chr9:105,601,145, C>T. VCF-style: chr9-105601145-C-T. GRCh37 (hg19) VCF-style: chr9-108363426-C-T.
Other names: p.R56C:CGT>TGT; c.166C>T, p.Arg56Cys (NM_001198963.2, NM_001351496.2, NM_001351498.2 and 1 more transcripts); c.97C>T, p.Arg33Cys (NM_001351497.2); c.-349C>T (NM_001351499.2, NM_001351500.2, NM_001351501.2 and 1 more transcripts); short protein forms R56C, R33C.
Identifiers: ClinVar variation 93517 (VCV000093517.55), dbSNP rs41277797, ClinGen allele CA285421.

ClinVar aggregate classification (germline): Conflicting classifications of pathogenicity. Review status: criteria provided, conflicting classifications (1 of 4 stars). 20 submissions from 19 submitters: Uncertain significance (1); Benign (13); Likely benign (1). 5 of the submissions do not count toward it. Last evaluated 2026-02-04.

Conditions:
Walker-Warburg congenital muscular dystrophy. Also called: Muscular dystrophy-dystroglycanopathy, type A; Walker-Warburg syndrome. Identifiers: Orphanet 899, MedGen C0265221, MONDO:0000171.
Cardiovascular phenotype. Identifiers: MedGen CN230736.
Muscular dystrophy-dystroglycanopathy. Also called: Congenital muscular dystrophy due to dystroglycanopathy. Identifiers: Orphanet 370953, MedGen C5679911, MONDO:0018276.
Muscular dystrophy-dystroglycanopathy (congenital with brain and eye anomalies), type A, 4 (MDDGA4). Also called: Congenital muscular dystrophy-dystroglycanopathy with brain and eye anomalies, type A4; Walker-Warburg Syndrome, Fktn-Related; Muscular dystrophy, congenital progressive, with mental retardation; Muscular dystrophy, congenital, with central nervous system involvement; Cerebromuscular dystrophy, Fukuyama type; Fukuyama congenital muscular dystrophy. Identifiers: Orphanet 272, Orphanet 588, Orphanet 899, MedGen C0410174, MONDO:0009678, OMIM 253800.
Dilated cardiomyopathy 1X (CMD1X). Also called: FKTN-Related Dilated Cardiomyopathy; CARDIOMYOPATHY, DILATED, WITH MILD OR NO PROXIMAL MUSCLE WEAKNESS. Identifiers: Orphanet 154, MedGen C1969024, MONDO:0012704, OMIM 611615.

Allele frequency attached by ClinVar (database versions not stated): 1000 Genomes Project 30x 0.01109; TOPMed 0.02053; gnomAD 0.02093 and 0.02032; ExAC 0.02353; gnomAD exomes 0.01892; 1000 Genomes Project 0.01038; ESP Exome Variant Server 0.02063.
gnomAD v4.1: 34,067 of 1,558,772 alleles (2.2%); highest among the groups gnomAD compares: Non-Finnish European, 2.5%; 484 homozygotes.

Submissions (20):

Labcorp Genetics (formerly Invitae), Labcorp
Classification: Benign for Walker-Warburg congenital muscular dystrophy. Last evaluated: 2026-02-04. Review status: criteria provided, single submitter. Criteria: Invitae Variant Classification Sherloc (09022015). Collection method: clinical testing. Allele origin: germline.

ARUP Laboratories, Molecular Genetics and Genomics, ARUP Laboratories
Classification: Benign. Last evaluated: 2025-07-08. Review status: criteria provided, single submitter. Criteria: ARUP Molecular Germline Variant Investigation Process 2024. Collection method: clinical testing. Allele origin: germline.

Molecular Diagnostic Laboratory for Inherited Cardiovascular Disease, Montreal Heart Institute
Classification: Likely benign. Last evaluated: 2025-04-09. Review status: criteria provided, single submitter. Criteria: ACMG Guidelines, 2015. Collection method: clinical testing. Allele origin: germline. Affected: no.

Blueprint Genetics
Classification: Benign. Last evaluated: 2024-11-27. Review status: criteria provided, single submitter. Criteria: ACMG Guidelines, 2015. Collection method: clinical testing. Allele origin: germline.

Mayo Clinic Laboratories, Mayo Clinic
Classification: Benign. Last evaluated: 2023-06-08. Review status: criteria provided, single submitter. Criteria: ACMG Guidelines, 2015. Collection method: clinical testing. Allele origin: germline. Observed: 80 variant alleles.
Comment: BS1, BS2

Molecular Genetics, Royal Melbourne Hospital
Classification: Benign for Muscular dystrophy-dystroglycanopathy. Last evaluated: 2023-05-05. Review status: criteria provided, single submitter. Criteria: ACMG Guidelines, 2015. Collection method: clinical testing. Allele origin: germline. Affected: no.

Genome-Nilou Lab
Classification: Benign for Muscular dystrophy-dystroglycanopathy (congenital with brain and eye anomalies), type A, 4. Last evaluated: 2021-05-18. Review status: criteria provided, single submitter. Criteria: ACMG Guidelines, 2015. Collection method: clinical testing. Allele origin: germline. Affected: no.

Illumina Laboratory Services, Illumina
Classification: Uncertain significance for Dilated cardiomyopathy 1X. Last evaluated: 2018-01-13. Review status: criteria provided, single submitter. Criteria: ICSL Variant Classification Criteria 13 December 2019. Collection method: clinical testing. Allele origin: germline.

Illumina Laboratory Services, Illumina
Classification: Benign for Muscular dystrophy-dystroglycanopathy (congenital with brain and eye anomalies), type A, 4. Last evaluated: 2018-01-13. Review status: criteria provided, single submitter. Criteria: ICSL Variant Classification Criteria 13 December 2019. Collection method: clinical testing. Allele origin: germline.
Comment: This variant was observed in the ICSL laboratory as part of a predisposition screen in an ostensibly healthy population. It had not been previously curated by ICSL or reported in the Human Gene Mutation Database (HGMD: prior to June 1st, 2018), and was therefore a candidate for classification through an automated scoring system. Utilizing variant allele frequency, disease prevalence and penetrance estimates, and inheritance mode, an automated score was calculated to assess if this variant is too frequent to cause the disease. Based on the score and internal cut-off values, a variant classified as benign is not then subjected to further curation. The score for this variant resulted in a classification of benign for this disease.

Athena Diagnostics
Classification: Benign. Last evaluated: 2017-08-02. Review status: criteria provided, single submitter. Criteria: Athena Diagnostics Criteria. Collection method: clinical testing. Allele origin: germline.

Laboratory for Molecular Medicine, Mass General Brigham Personalized Medicine
Classification: Benign. Last evaluated: 2016-03-03. Review status: criteria provided, single submitter. Criteria: LMM Criteria. Collection method: clinical testing. Allele origin: germline. Observed: 1 variant allele.
Comment: p.Arg56Cys in exon 5 of FKTN: This variant is not expected to have clinical sign ificance because it has been identified in 3.7% (1650/44834) of European chromos omes by the Exome Aggregation Consortium (ExAC; dbSNP rs41277797).

Ambry Genetics
Classification: Benign for Cardiovascular phenotype. Last evaluated: 2015-09-10. Review status: criteria provided, single submitter. Criteria: Ambry Variant Classification Scheme 2023. Collection method: clinical testing. Allele origin: germline.

Eurofins Ntd Llc (ga)
Classification: Benign. Last evaluated: 2014-11-18. Review status: criteria provided, single submitter. Criteria: EGL Classification Definitions 2015. Collection method: clinical testing. Allele origin: germline. Observed: 2 variant alleles, 2 heterozygotes.

GeneDx
Classification: Benign. Last evaluated: 2014-01-08. Review status: criteria provided, single submitter. Criteria: GeneDx Variant Classification (06012015). Collection method: clinical testing. Allele origin: germline. Affected: yes.
Comment: This variant is considered likely benign or benign based on one or more of the following criteria: it is a conservative change, it occurs at a poorly conserved position in the protein, it is predicted to be benign by multiple in silico algorithms, and/or has population frequency not consistent with disease.

PreventionGenetics, part of Exact Sciences
Classification: Benign. Review status: criteria provided, single submitter. Criteria: ACMG Guidelines, 2015. Collection method: clinical testing. Allele origin: germline.

Natera, Inc.
Classification: Benign for Walker-Warburg congenital muscular dystrophy. Last evaluated: 2020-06-04. Review status: no assertion criteria provided. Collection method: clinical testing. Allele origin: germline. Not counted in ClinVar's aggregate classification.

Clinical Genetics, Academic Medical Center
Classification: Likely benign. Review status: no assertion criteria provided. Collection method: clinical testing. Allele origin: germline. Affected: yes. Study: VKGL Data-share Consensus. Not counted in ClinVar's aggregate classification.

Genetic Services Laboratory, University of Chicago
Classification: Likely benign for AllHighlyPenetrant. Review status: no assertion criteria provided. Collection method: clinical testing. Allele origin: germline. Inheritance: Autosomal recessive inheritance. Not counted in ClinVar's aggregate classification.
Comment: Likely benign based on allele frequency in 1000 Genomes Project or ESP global frequency and its presence in a patient with a rare or unrelated disease phenotype. NOT Sanger confirmed.

Genome Diagnostics Laboratory, University Medical Center Utrecht
Classification: Benign. Review status: no assertion criteria provided. Collection method: clinical testing. Allele origin: germline. Affected: yes. Study: VKGL Data-share Consensus. Not counted in ClinVar's aggregate classification.

Laboratory of Diagnostic Genome Analysis, Leiden University Medical Center (LUMC)
Classification: Likely benign. Review status: no assertion criteria provided. Collection method: clinical testing. Allele origin: germline. Affected: yes. Study: VKGL Data-share Consensus. Not counted in ClinVar's aggregate classification.

Literature cited by the submitters: PubMed 17559086 (cited by Athena Diagnostics); PubMed 17878207 (cited by Athena Diagnostics).